The following is an entry in ClinVar:

NM_139343.3(BIN1):c.460C>T (p.Arg154Trp)

Gene: BIN1 (bridging integrator 1; minus strand). Cytogenetic location: 2q14.3.
Variant type: single nucleotide variant.
Coding change: c.460C>T on transcript NM_139343.3 (MANE Select); coding-DNA position 460, C replaced by T.
Protein change: p.Arg154Trp; replaces arginine 154 with tryptophan.
Molecular consequence: missense variant.
Genome position (GRCh38, 1-based): chr2:127,068,983, G>A on the plus strand (C>T on the coding strand, the complement: BIN1 is on the minus strand). VCF-style: chr2-127068983-G-A. GRCh37 (hg19) VCF-style: chr2-127826559-G-A.
Other names: c.460C>T, p.Arg154Trp (NM_001320632.2, NM_001320633.2, NM_001320640.2 and 10 more transcripts); c.388C>T, p.Arg130Trp (NM_001320634.1); c.379C>T, p.Arg127Trp (NM_001320642.1); short protein forms R127W, R130W, R154W.
Identifiers: ClinVar variation 655134 (VCV000655134.9), dbSNP rs761914168, ClinGen allele CA1857472.

ClinVar aggregate classification (germline): Uncertain significance. Review status: criteria provided, multiple submitters, no conflicts (2 of 4 stars). 2 submissions from 2 submitters: Uncertain significance (2). Last evaluated 2023-12-02.

Conditions:
Myopathy, centronuclear, 2 (CNM2). Also called: MYOTUBULAR MYOPATHY, AUTOSOMAL RECESSIVE. Identifiers: Orphanet 169186, MedGen CN031787, MONDO:0009709, OMIM 255200.

Allele frequency attached by ClinVar (database versions not stated): gnomAD exomes below 0.00001; ExAC 0.00001.

Submissions (2):

Labcorp Genetics (formerly Invitae), Labcorp
Classification: Uncertain significance for Myopathy, centronuclear, 2. Last evaluated: 2023-12-02. Review status: criteria provided, single submitter. Criteria: Invitae Variant Classification Sherloc (09022015). Collection method: clinical testing. Allele origin: germline.
Comment: This sequence change replaces arginine, which is basic and polar, with tryptophan, which is neutral and slightly polar, at codon 154 of the BIN1 protein (p.Arg154Trp). This variant is present in population databases (rs761914168, gnomAD 0.0009%). This variant has not been reported in the literature in individuals affected with BIN1-related conditions. ClinVar contains an entry for this variant (Variation ID: 655134). Advanced modeling of protein sequence and biophysical properties (such as structural, functional, and spatial information, amino acid conservation, physicochemical variation, residue mobility, and thermodynamic stability) performed at Invitae indicates that this missense variant is expected to disrupt BIN1 protein function with a positive predictive value of 80%. In summary, the available evidence is currently insufficient to determine the role of this variant in disease. Therefore, it has been classified as a Variant of Uncertain Significance.

Blueprint Genetics
Classification: Uncertain significance. Last evaluated: 2023-10-04. Review status: criteria provided, single submitter. Criteria: ACMG Guidelines, 2015. Collection method: clinical testing. Allele origin: germline.